The following is an entry in ClinVar:

ClinVar aggregate classification (germline): Uncertain significance (1 of 4 stars; one submission).

Conditions:
Mitochondrial trifunctional protein deficiency. Identifiers: Orphanet 746, MedGen C1969443, MONDO:0012172.

Submission:

Labcorp Genetics (formerly Invitae), Labcorp
Classification: Uncertain significance for Mitochondrial trifunctional protein deficiency. Last evaluated: 2024-01-25. Review status: criteria provided, single submitter. Criteria: Invitae Variant Classification Sherloc (09022015). Collection method: clinical testing. Allele origin: germline.
Comment: This sequence change replaces alanine, which is neutral and non-polar, with threonine, which is neutral and polar, at codon 375 of the HADHB protein (p.Ala375Thr). This variant is not present in population databases (gnomAD no frequency). This variant has not been reported in the literature in individuals affected with HADHB-related conditions. ClinVar contains an entry for this variant (Variation ID: 845143). Advanced modeling of protein sequence and biophysical properties (such as structural, functional, and spatial information, amino acid conservation, physicochemical variation, residue mobility, and thermodynamic stability) performed at Invitae indicates that this missense variant is not expected to disrupt HADHB protein function with a negative predictive value of 80%. In summary, the available evidence is currently insufficient to determine the role of this variant in disease. Therefore, it has been classified as a Variant of Uncertain Significance.

NM_000183.3(HADHB):c.1123G>A (p.Ala375Thr)

Gene: HADHB (hydroxyacyl-CoA dehydrogenase trifunctional multienzyme complex subunit beta; plus strand). Cytogenetic location: 2p23.3.
Variant type: single nucleotide variant.
Coding change: c.1123G>A on transcript NM_000183.3 (MANE Select); coding-DNA position 1123, G replaced by A.
Protein change: p.Ala375Thr; replaces alanine 375 with threonine.
Molecular consequence: missense variant.
Genome position (GRCh38, 1-based): chr2:26,284,178, G>A. VCF-style: chr2-26284178-G-A. GRCh37 (hg19) VCF-style: chr2-26507046-G-A.
Other names: c.1078G>A, p.Ala360Thr (NM_001281512.2); c.1057G>A, p.Ala353Thr (NM_001281513.2); short protein forms A375T, A360T, A353T.
Identifiers: ClinVar variation 845143 (VCV000845143.10), dbSNP rs1558360702, ClinGen allele CA346095899.